The following is an entry in ClinVar:

NM_000540.3(RYR1):c.804G>T (p.Trp268Cys)

Gene: RYR1 (ryanodine receptor 1; plus strand). Cytogenetic location: 19q13.2.
Variant type: single nucleotide variant.
Coding change: c.804G>T on transcript NM_000540.3 (MANE Select); coding-DNA position 804, G replaced by T.
Protein change: p.Trp268Cys; replaces tryptophan 268 with cysteine.
Molecular consequence: missense variant.
Genome position (GRCh38, 1-based): chr19:38,448,358, G>T. VCF-style: chr19-38448358-G-T. GRCh37 (hg19) VCF-style: chr19-38938998-G-T.
Other names: c.804G>T, p.Trp268Cys (NM_001042723.2); short protein forms W268C.
Identifiers: ClinVar variation 3365298 (VCV003365298.1).

ClinVar aggregate classification (germline): Uncertain significance (1 of 4 stars; one submission).

Submission:

GeneDx
Classification: Uncertain significance. Last evaluated: 2023-12-08. Review status: criteria provided, single submitter. Criteria: GeneDx Variant Classification Process June 2021. Collection method: clinical testing. Allele origin: germline. Affected: yes.
Comment: Not observed at significant frequency in large population cohorts (gnomAD); In silico analysis supports that this missense variant has a deleterious effect on protein structure/function; Has not been previously published as pathogenic or benign to our knowledge; This variant is associated with the following publications: (PMID: 33767344)